The following is an entry in ClinVar:

ClinVar aggregate classification (germline): Uncertain significance (1 of 4 stars; one submission).

Submission:

Ambry Genetics
Classification: Uncertain significance. Last evaluated: 2023-06-12. Review status: criteria provided, single submitter. Criteria: Ambry Variant Classification Scheme 2023. Collection method: clinical testing. Allele origin: germline.
Comment: The p.T432A variant (also known as c.1294A>G), located in coding exon 13 of the PRKDC gene, results from an A to G substitution at nucleotide position 1294. The threonine at codon 432 is replaced by alanine, an amino acid with similar properties. This amino acid position is conserved. In addition, this alteration is predicted to be tolerated by in silico analysis. Since supporting evidence is limited at this time, the clinical significance of this alteration remains unclear.

NM_006904.7(PRKDC):c.1294A>G (p.Thr432Ala)

Gene: PRKDC (protein kinase, DNA-activated, catalytic subunit; minus strand). Cytogenetic location: 8q11.21.
Variant type: single nucleotide variant.
Coding change: c.1294A>G on transcript NM_006904.7 (MANE Select); coding-DNA position 1294, A replaced by G.
Protein change: p.Thr432Ala; replaces threonine 432 with alanine.
Molecular consequence: missense variant.
Genome position (GRCh38, 1-based): chr8:47,935,885, T>C on the plus strand (A>G on the coding strand, the complement: PRKDC is on the minus strand). VCF-style: chr8-47935885-T-C. GRCh37 (hg19) VCF-style: chr8-48848445-T-C.
Other names: c.1294A>G, p.Thr432Ala (NM_001081640.2); short protein forms T432A.
Identifiers: ClinVar variation 2564574 (VCV002564574.2), dbSNP rs2551879571, ClinGen allele CA371165990.